The following is an entry in ClinVar:

NM_002778.4(PSAP):c.263T>C (p.Val88Ala)

Gene: PSAP (prosaposin; minus strand). Cytogenetic location: 10q22.1.
Variant type: single nucleotide variant.
Coding change: c.263T>C on transcript NM_002778.4 (MANE Select); coding-DNA position 263, T replaced by C.
Protein change: p.Val88Ala; replaces valine 88 with alanine.
Molecular consequence: missense variant.
Genome position (GRCh38, 1-based): chr10:71,831,238, A>G on the plus strand (T>C on the coding strand, the complement: PSAP is on the minus strand). VCF-style: chr10-71831238-A-G. GRCh37 (hg19) VCF-style: chr10-73590995-A-G.
Other names: c.263T>C, p.Val88Ala (NM_001042465.3, NM_001042466.3); short protein forms V88A.
Identifiers: ClinVar variation 4882541 (VCV004882541.2).

ClinVar aggregate classification (germline): Uncertain significance (1 of 4 stars; one submission).

gnomAD v4.1: 2 of 1,614,068 alleles (0.00012%); highest among the groups gnomAD compares: Middle Eastern, 0.017%; no homozygotes.

Submission:

Dasa
Classification: Uncertain significance. Last evaluated: 2025-12-24. Review status: criteria provided, single submitter. Criteria: DASA Assertion Criteria. Collection method: clinical testing. Allele origin: germline.
Comment: NM_002778.4(PSAP):c.263T>C (p.Val88Ala) is a missense variant that results in the substitution of valine with alanine. This variant is rare in population databases. The currently available literature and clinical evidence are not sufficient to establish a definitive association between this variant and the reported condition. Therefore, this variant is classified as a variant of uncertain significance.